The following is an entry in ClinVar:

NM_007327.4(GRIN1):c.2534G>A (p.Arg845Gln)

Gene: GRIN1 (glutamate ionotropic receptor NMDA type subunit 1; plus strand). Cytogenetic location: 9q34.3.
Variant type: single nucleotide variant.
Coding change: c.2534G>A on transcript NM_007327.4 (MANE Select); coding-DNA position 2534, G replaced by A.
Protein change: p.Arg845Gln; replaces arginine 845 with glutamine.
Molecular consequence: missense variant.
Genome position (GRCh38, 1-based): chr9:137,163,849, G>A. VCF-style: chr9-137163849-G-A. GRCh37 (hg19) VCF-style: chr9-140058301-G-A.
Other names: c.2534G>A, p.Arg845Gln (NM_000832.7, NM_021569.4); c.2597G>A, p.Arg866Gln (NM_001185090.2, NM_001185091.2); short protein forms R866Q, R845Q.
Identifiers: ClinVar variation 650215 (VCV000650215.9), dbSNP rs1405592274, ClinGen allele CA375726774.

ClinVar aggregate classification (germline): Uncertain significance (1 of 4 stars; one submission).

Conditions:
Neurodevelopmental disorder with or without hyperkinetic movements and seizures, autosomal dominant. Also called: Intellectual disability, autosomal dominant 8. Identifiers: MedGen C3280282, MONDO:0013655, OMIM 614254.

Allele frequency attached by ClinVar (database versions not stated): gnomAD exomes below 0.00001.
gnomAD v4.1: 1 of 1,613,086 alleles (0.000062%); highest among the groups gnomAD compares: Non-Finnish European, 0.000085%; no homozygotes.

Submission:

Labcorp Genetics (formerly Invitae), Labcorp
Classification: Uncertain significance for Neurodevelopmental disorder with or without hyperkinetic movements and seizures, autosomal dominant. Last evaluated: 2018-07-11. Review status: criteria provided, single submitter. Criteria: Invitae Variant Classification Sherloc (09022015). Collection method: clinical testing. Allele origin: germline.
Comment: In summary, the available evidence is currently insufficient to determine the role of this variant in disease. Therefore, it has been classified as a Variant of Uncertain Significance. Algorithms developed to predict the effect of missense changes on protein structure and function are either unavailable or do not agree on the potential impact of this missense change (SIFT: "Tolerated"; PolyPhen-2: "Possibly Damaging"; Align-GVGD: "Class C0"). This variant has not been reported in the literature in individuals with GRIN1-related disease. This variant is not present in population databases (ExAC no frequency). This sequence change replaces arginine with glutamine at codon 845 of the GRIN1 protein (p.Arg845Gln). The arginine residue is moderately conserved and there is a small physicochemical difference between arginine and glutamine.